The following is an entry in ClinVar:

NM_198506.5(LRIT3):c.1414C>G (p.Leu472Val)

Gene: LRIT3 (leucine rich repeat, Ig-like and transmembrane domains 3; plus strand). Cytogenetic location: 4q25.
Variant type: single nucleotide variant.
Coding change: c.1414C>G on transcript NM_198506.5 (MANE Select); coding-DNA position 1414, C replaced by G.
Protein change: p.Leu472Val; replaces leucine 472 with valine.
Molecular consequence: missense variant.
Genome position (GRCh38, 1-based): chr4:109,870,163, C>G. VCF-style: chr4-109870163-C-G. GRCh37 (hg19) VCF-style: chr4-110791319-C-G.
Other names: short protein forms L472V.
Identifiers: ClinVar variation 972524 (VCV000972524.6), dbSNP rs980033089, ClinGen allele CA103712315.

ClinVar aggregate classification (germline): Uncertain significance (1 of 4 stars; one submission).

Allele frequency attached by ClinVar (database versions not stated): gnomAD 0.00003 and 0.00004; TOPMed 0.00004.
gnomAD v4.1: 13 of 1,614,082 alleles (0.00081%); highest among the groups gnomAD compares: African/African-American, 0.017%; no homozygotes.

Submission:

Labcorp Genetics (formerly Invitae), Labcorp
Classification: Uncertain significance. Last evaluated: 2022-01-12. Review status: criteria provided, single submitter. Criteria: Invitae Variant Classification Sherloc (09022015). Collection method: clinical testing. Allele origin: germline.
Comment: In summary, the available evidence is currently insufficient to determine the role of this variant in disease. Therefore, it has been classified as a Variant of Uncertain Significance. Algorithms developed to predict the effect of missense changes on protein structure and function are either unavailable or do not agree on the potential impact of this missense change (SIFT: "Deleterious"; PolyPhen-2: "Possibly Damaging"; Align-GVGD: "Class C0"). ClinVar contains an entry for this variant (Variation ID: 972524). This variant has not been reported in the literature in individuals affected with LRIT3-related conditions. This variant is present in population databases (no rsID available, gnomAD 0.02%). This sequence change replaces leucine, which is neutral and non-polar, with valine, which is neutral and non-polar, at codon 472 of the LRIT3 protein (p.Leu472Val).